The following is an entry in ClinVar:

ClinVar aggregate classification (germline): Likely benign. Review status: criteria provided, single submitter (1 of 4 stars). 2 submissions from 2 submitters: Likely benign (1). 1 of the submissions does not count toward it. Last evaluated 2026-08-01.

Conditions:
COL6A2-related disorder.

Allele frequency attached by ClinVar (database versions not stated): ESP Exome Variant Server 0.00008; ExAC 0.00014; gnomAD 0.00015; TOPMed 0.00017; gnomAD exomes 0.00032.
gnomAD v4.1: 497 of 1,612,738 alleles (0.031%); highest among the groups gnomAD compares: Non-Finnish European, 0.036%; 1 homozygote.

Submissions (2):

CeGaT Center for Human Genetics Tuebingen
Classification: Likely benign. Last evaluated: 2026-08-01. Review status: criteria provided, single submitter. Criteria: CeGaT Center For Human Genetics Tuebingen Variant Classification Criteria Version 2. Collection method: clinical testing. Allele origin: germline. Affected: yes. Observed: 3 variant alleles.
Comment: COL6A2: BP4, BP7

PreventionGenetics, part of Exact Sciences
Classification: Likely benign for COL6A2-related condition. Last evaluated: 2019-09-17. Review status: no assertion criteria provided. Collection method: clinical testing. Allele origin: germline. Not counted in ClinVar's aggregate classification.
Comment: This variant is classified as likely benign based on ACMG/AMP sequence variant interpretation guidelines (Richards et al. 2015 PMID: 25741868, with internal and published modifications).

NM_058174.3(COL6A2):c.2469G>A (p.Pro823=)

Gene: COL6A2 (collagen type VI alpha 2 chain; plus strand). Cytogenetic location: 21q22.3.
Variant type: single nucleotide variant.
Coding change: c.2469G>A on transcript NM_058174.3 (MANE Plus Clinical); coding-DNA position 2469, G replaced by A.
Protein change: p.Pro823=; no amino-acid change (proline 823 retained).
Molecular consequence: synonymous variant. On other transcripts: 3 prime UTR variant (1), intron variant (1).
Genome position (GRCh38, 1-based): chr21:46,129,203, G>A. VCF-style: chr21-46129203-G-A. GRCh37 (hg19) VCF-style: chr21-47549117-G-A.
Other names: c.*275G>A (NM_058175.3); c.2461+2662G>A (NM_001849.4); c.2469G>A (NM_058174.2).
Identifiers: ClinVar variation 2652801 (VCV002652801.25), dbSNP rs201135253, ClinGen allele CA10072731.